The following is an entry in ClinVar:

NM_006379.5(SEMA3C):c.688C>T (p.Pro230Ser)

Gene: SEMA3C (semaphorin 3C; minus strand). Cytogenetic location: 7q21.11.
Variant type: single nucleotide variant.
Coding change: c.688C>T on transcript NM_006379.5 (MANE Select); coding-DNA position 688, C replaced by T.
Protein change: p.Pro230Ser; replaces proline 230 with serine.
Molecular consequence: missense variant.
Genome position (GRCh38, 1-based): chr7:80,804,219, G>A on the plus strand (C>T on the coding strand, the complement: SEMA3C is on the minus strand). VCF-style: chr7-80804219-G-A. GRCh37 (hg19) VCF-style: chr7-80433535-G-A.
Other names: c.742C>T (NM_001350120.1); c.742C>T, p.Pro248Ser (NM_001350120.2); c.514C>T, p.Pro172Ser (NM_001350121.2); short protein forms P172S, P230S, P248S.
Identifiers: ClinVar variation 730570 (VCV000730570.8), dbSNP rs138522639, ClinGen allele CA4316353.

ClinVar aggregate classification (germline): Conflicting classifications of pathogenicity. Review status: criteria provided, conflicting classifications (1 of 4 stars). 4 submissions from 4 submitters: Uncertain significance (2); Likely benign (1). 1 of the submissions does not count toward it. Last evaluated 2025-11-05.

Conditions:
SEMA3C-related disorder. Also called: SEMA3C-related condition.

Allele frequency attached by ClinVar (database versions not stated): ExAC 0.00036; ESP Exome Variant Server 0.00100; gnomAD exomes 0.00031 and 0.00011; TOPMed 0.00125; 1000 Genomes Project 30x 0.00141; gnomAD 0.00146 and 0.00128; 1000 Genomes Project 0.00160.

Submissions (4):

Ambry Genetics
Classification: Uncertain significance. Last evaluated: 2025-11-05. Review status: criteria provided, single submitter. Criteria: Ambry Variant Classification Scheme 2023. Collection method: clinical testing. Allele origin: germline.

Revvity Omics, Revvity
Classification: Uncertain significance. Last evaluated: 2021-12-22. Review status: criteria provided, single submitter. Criteria: ACMG Guidelines, 2015. Collection method: clinical testing. Allele origin: germline.

Labcorp Genetics (formerly Invitae), Labcorp
Classification: Likely benign. Last evaluated: 2017-12-28. Review status: criteria provided, single submitter. Criteria: Invitae Variant Classification Sherloc (09022015). Collection method: clinical testing. Allele origin: germline.

PreventionGenetics, part of Exact Sciences
Classification: Likely benign for SEMA3C-related condition. Last evaluated: 2021-07-26. Review status: no assertion criteria provided. Collection method: clinical testing. Allele origin: germline. Not counted in ClinVar's aggregate classification.
Comment: This variant is classified as likely benign based on ACMG/AMP sequence variant interpretation guidelines (Richards et al. 2015 PMID: 25741868, with internal and published modifications).